The following is an entry in ClinVar:

NM_004333.6(BRAF):c.2115A>T (p.Pro705=)

Gene: BRAF (B-Raf proto-oncogene, serine/threonine kinase; minus strand). Cytogenetic location: 7q34.
Variant type: single nucleotide variant.
Coding change: c.2115A>T on transcript NM_004333.6 (MANE Select); coding-DNA position 2115, A replaced by T.
Protein change: p.Pro705=; no amino-acid change (proline 705 retained).
Molecular consequence: synonymous variant.
Genome position (GRCh38, 1-based): chr7:140,739,824, T>A on the plus strand (A>T on the coding strand, the complement: BRAF is on the minus strand). VCF-style: chr7-140739824-T-A. GRCh37 (hg19) VCF-style: chr7-140439624-T-A.
Other names: c.2013A>T, p.Pro671= (NM_001378470.1); c.2004A>T, p.Pro668= (NM_001378471.1); c.1959A>T, p.Pro653= (NM_001378472.1, NM_001378473.1); c.2115A>T, p.Pro705= (NM_001378474.1, NM_001378468.1, NM_001354609.2); c.1851A>T, p.Pro617= (NM_001378475.1); c.2235A>T, p.Pro745= (NM_001374258.1, NM_001374244.1); c.2124A>T, p.Pro708= (NM_001378467.1); c.2049A>T, p.Pro683= (NM_001378469.1).
Identifiers: ClinVar variation 4823670 (VCV004823670.4).

ClinVar aggregate classification (germline): Likely benign (1 of 4 stars; one submission).

Submission:

CeGaT Center for Human Genetics Tuebingen
Classification: Likely benign. Last evaluated: 2026-03-01. Review status: criteria provided, single submitter. Criteria: CeGaT Center For Human Genetics Tuebingen Variant Classification Criteria Version 2. Collection method: clinical testing. Allele origin: germline. Affected: yes. Observed: 1 variant allele.
Comment: BRAF: PM2:Supporting, BP4, BP7